The following is an entry in ClinVar:

ClinVar aggregate classification (germline): Uncertain significance. Review status: criteria provided, multiple submitters, no conflicts (2 of 4 stars). 2 submissions from 2 submitters: Uncertain significance (2). Last evaluated 2024-02-28.

Allele frequency attached by ClinVar (database versions not stated): gnomAD exomes below 0.00001 and 0.00001; ExAC 0.00001.
gnomAD v4.1: 7 of 1,585,680 alleles (0.00044%); highest among the groups gnomAD compares: Middle Eastern, 0.017%; no homozygotes.

Submissions (2):

Blueprint Genetics
Classification: Uncertain significance. Last evaluated: 2024-02-28. Review status: criteria provided, single submitter. Criteria: ACMG Guidelines, 2015. Collection method: clinical testing. Allele origin: germline.

Labcorp Genetics (formerly Invitae), Labcorp
Classification: Uncertain significance. Last evaluated: 2022-10-17. Review status: criteria provided, single submitter. Criteria: Invitae Variant Classification Sherloc (09022015). Collection method: clinical testing. Allele origin: germline.
Comment: This sequence change replaces lysine, which is basic and polar, with glutamic acid, which is acidic and polar, at codon 870 of the DMXL2 protein (p.Lys870Glu). In summary, the available evidence is currently insufficient to determine the role of this variant in disease. Therefore, it has been classified as a Variant of Uncertain Significance. Algorithms developed to predict the effect of missense changes on protein structure and function (SIFT, PolyPhen-2, Align-GVGD) all suggest that this variant is likely to be tolerated. ClinVar contains an entry for this variant (Variation ID: 1524810). This variant has not been reported in the literature in individuals affected with DMXL2-related conditions. This variant is present in population databases (rs765925991, gnomAD 0.0009%).

NM_001378457.1(DMXL2):c.2608A>G (p.Lys870Glu)

Gene: DMXL2 (Dmx like 2; minus strand). Cytogenetic location: 15q21.2.
Variant type: single nucleotide variant.
Coding change: c.2608A>G on transcript NM_001378457.1 (MANE Select); coding-DNA position 2608, A replaced by G.
Protein change: p.Lys870Glu; replaces lysine 870 with glutamic acid.
Molecular consequence: missense variant. On other transcripts: non-coding transcript variant (2).
Genome position (GRCh38, 1-based): chr15:51,514,478, T>C on the plus strand (A>G on the coding strand, the complement: DMXL2 is on the minus strand). VCF-style: chr15-51514478-T-C. GRCh37 (hg19) VCF-style: chr15-51806675-T-C.
Other names: c.2608A>G, p.Lys870Glu (NM_001174116.3, NM_001174117.3, NM_001378458.1 and 6 more transcripts); c.2368A>G, p.Lys790Glu (NM_001378464.1); short protein forms K790E, K870E.
Identifiers: ClinVar variation 1524810 (VCV001524810.7), dbSNP rs765925991, ClinGen allele CA7562322.